The following is an entry in ClinVar:

NM_000138.5(FBN1):c.6380-7_6380-4del

Gene: FBN1 (fibrillin 1; minus strand). Cytogenetic location: 15q21.1.
Variant type: Deletion.
Coding change: c.6380-7_6380-4del on transcript NM_000138.5 (MANE Select); 7 bases into the intron before coding-DNA position 6380 through 4 bases into the intron before coding-DNA position 6380, 4 bases deleted (GCTT; older notation c.6380-7_6380-4delGCTT).
Molecular consequence: intron variant.
Genome position (GRCh38, 1-based): chr15:48,437,081-48,437,084, AAGC deleted on the plus strand (GCTT on the coding strand, the reverse complement: FBN1 is on the minus strand); deleting any 4 consecutive bases within chr15:48,437,081-48,437,087 gives the same sequence; the c. name uses the placement nearest the transcript's 3' end. VCF-style (leftmost placement, unchanged base first): chr15-48437080-TAAGC-T. GRCh37 (hg19) VCF-style: chr15-48729277-TAAGC-T.
Other names: c.6380-7_6380-4del (NM_001406716.1).
Identifiers: ClinVar variation 3386771 (VCV003386771.1).

ClinVar aggregate classification (germline): Likely benign (1 of 4 stars; one submission).

Conditions:
Marfan syndrome (MFS). Also called: MARFAN SYNDROME, TYPE I; Marfan syndrome type 1; Marfan's syndrome; FBN1-Related Marfan Syndrome; Marfan syndrome, classic. Identifiers: Orphanet 284963, Orphanet 558, MedGen C0024796, MONDO:0007947, OMIM 154700.

Submission:

All of Us Research Program, National Institutes of Health
Classification: Likely benign for Marfan syndrome. Last evaluated: 2024-04-25. Review status: criteria provided, single submitter. Criteria: ACMG Guidelines, 2015. Collection method: clinical testing. Allele origin: germline. Inheritance: Autosomal dominant inheritance. Observed: 1 variant allele, 1 heterozygote.
Comment: This study involves interpretation of variants in research participants for the purpose of population health screening. Participant phenotype was not available at the time of variant classification. Additional details can be found in publication PMID: 35346344, PMCID: PMC8962531